The following is an entry in ClinVar:

ClinVar aggregate classification (germline): Pathogenic (1 of 4 stars; one submission).

Conditions:
Short-rib thoracic dysplasia 14 with polydactyly (SRTD14). Identifiers: Orphanet 397715, MedGen C4225286, MONDO:0014688, OMIM 616546.
Joubert syndrome 23 (JBTS23). Identifiers: Orphanet 475, MedGen C4084822, MONDO:0014664, OMIM 616490.

Submission:

Labcorp Genetics (formerly Invitae), Labcorp
Classification: Pathogenic for Joubert syndrome 23; Short-rib thoracic dysplasia 14 with polydactyly. Last evaluated: 2025-05-13. Review status: criteria provided, single submitter. Criteria: Invitae Variant Classification Sherloc (09022015). Collection method: clinical testing. Allele origin: germline.
Comment: This sequence change creates a premature translational stop signal (p.Glu21*) in the KIAA0586 gene. It is expected to result in an absent or disrupted protein product. Loss-of-function variants in KIAA0586 are known to be pathogenic (PMID: 26096313, 26166481, 26386044). This variant is not present in population databases (gnomAD no frequency). This variant has not been reported in the literature in individuals affected with KIAA0586-related conditions. ClinVar contains an entry for this variant (Variation ID: 1350774). Algorithms developed to predict the effect of sequence changes on RNA splicing suggest that this variant may disrupt the consensus splice site. For these reasons, this variant has been classified as Pathogenic.

Literature cited by the submitters: PubMed 26096313; PubMed 26166481; PubMed 26386044.

NM_001329943.3(KIAA0586):c.25G>T (p.Glu9Ter)

Gene: KIAA0586 (KIAA0586; plus strand). Cytogenetic location: 14q23.1.
Variant type: single nucleotide variant.
Coding change: c.25G>T on transcript NM_001329943.3 (MANE Select); coding-DNA position 25, G replaced by T.
Protein change: p.Glu9Ter; replaces glutamic acid 9 with a stop codon.
Molecular consequence: nonsense. On other transcripts: 5 prime UTR variant (1), intron variant (5).
Genome position (GRCh38, 1-based): chr14:58,428,289, G>T. VCF-style: chr14-58428289-G-T. GRCh37 (hg19) VCF-style: chr14-58895007-G-T.
Other names: c.61G>T, p.Glu21Ter (NM_001244189.2); c.-21G>T (NM_001244190.2); c.25G>T, p.Glu9Ter (NM_001329944.2, NM_001329946.2, NM_001329947.2 and 1 more transcripts); c.-57+652G>T (NM_001244192.2, NM_001244191.2); c.-57+476G>T (NM_001364701.2, NM_001329945.2, NM_001364700.1); short protein forms E21*, E9*.
Identifiers: ClinVar variation 1350774 (VCV001350774.6), dbSNP rs2140372917, ClinGen allele CA389858966.